The following is an entry in ClinVar:

ClinVar aggregate classification (germline): Uncertain significance. Review status: criteria provided, multiple submitters, no conflicts (2 of 4 stars). 2 submissions from 2 submitters: Uncertain significance (2). Last evaluated 2025-08-04.

Conditions:
Early Myoclonic Encephalopathy. Identifiers: MedGen C0270855.

Allele frequency attached by ClinVar (database versions not stated): gnomAD exomes 0.00002 and 0.00001; ExAC 0.00002.
gnomAD v4.1: 20 of 1,611,826 alleles (0.0012%); highest among the groups gnomAD compares: Non-Finnish European, 0.0017%; no homozygotes.

Submissions (2):

Ambry Genetics
Classification: Uncertain significance. Last evaluated: 2025-08-04. Review status: criteria provided, single submitter. Criteria: Ambry Variant Classification Scheme 2023. Collection method: clinical testing. Allele origin: germline.

Labcorp Genetics (formerly Invitae), Labcorp
Classification: Uncertain significance for Early Myoclonic Encephalopathy. Last evaluated: 2020-06-04. Review status: criteria provided, single submitter. Criteria: Invitae Variant Classification Sherloc (09022015). Collection method: clinical testing. Allele origin: germline.
Comment: This variant is present in population databases (rs777100792, ExAC 0.003%). Algorithms developed to predict the effect of missense changes on protein structure and function are either unavailable or do not agree on the potential impact of this missense change (SIFT: "Deleterious"; PolyPhen-2: "Probably Damaging"; Align-GVGD: "Class C0"). This variant has not been reported in the literature in individuals with JMJD1C-related conditions. In summary, the available evidence is currently insufficient to determine the role of this variant in disease. Therefore, it has been classified as a Variant of Uncertain Significance. This sequence change replaces lysine with glutamic acid at codon 955 of the JMJD1C protein (p.Lys955Glu). The lysine residue is moderately conserved and there is a small physicochemical difference between lysine and glutamic acid.

NM_032776.3(JMJD1C):c.2863A>G (p.Lys955Glu)

Gene: JMJD1C (jumonji domain containing 1C; minus strand). Cytogenetic location: 10q21.3.
Variant type: single nucleotide variant.
Coding change: c.2863A>G on transcript NM_032776.3 (MANE Select); coding-DNA position 2863, A replaced by G.
Protein change: p.Lys955Glu; replaces lysine 955 with glutamic acid.
Molecular consequence: missense variant. On other transcripts: non-coding transcript variant (1).
Genome position (GRCh38, 1-based): chr10:63,209,067, T>C on the plus strand (A>G on the coding strand, the complement: JMJD1C is on the minus strand). VCF-style: chr10-63209067-T-C. GRCh37 (hg19) VCF-style: chr10-64968827-T-C.
Other names: c.2317A>G, p.Lys773Glu (NM_001282948.2, NM_001318154.2); c.1999A>G, p.Lys667Glu (NM_001318153.2); c.2749A>G, p.Lys917Glu (NM_001322252.2); c.2206A>G, p.Lys736Glu (NM_001322254.2, NM_001322258.2); c.2863A>G (NM_032776.1); short protein forms K667E, K736E, K773E, K917E, K955E.
Identifiers: ClinVar variation 1054412 (VCV001054412.10), dbSNP rs777100792, ClinGen allele CA5518547.
Genomic context (GRCh38, chr10:63,209,067, plus strand): 5'-AATTAAGAAAAATTATGAACAAGGTATTTATAATTTTTAAGCACTGGTGAACTTACTCCT[T>C]ATGATGATCTACTAAAGTTTTTGTCAATGGTGGACTGGAATGGGCTGTAATTTTAAGAGG-3'
Protein context (NP_116165.1, residues 945-965): PLTKTLVDHH[Lys955Glu]EELERKAFME